The following is an entry in ClinVar:

ClinVar aggregate classification (germline): Benign/Likely benign. Review status: criteria provided, multiple submitters, no conflicts (2 of 4 stars). 3 submissions from 3 submitters: Benign (2); Likely benign (1). Last evaluated 2026-01-01.

Allele frequency attached by ClinVar (database versions not stated): ExAC 0.00303; gnomAD 0.00007 and 0.00036; TOPMed 0.00016; gnomAD exomes 0.00063 and 0.00126; 1000 Genomes Project 30x 0.00265; 1000 Genomes Project 0.00280.
gnomAD v4.1: 971 of 1,579,510 alleles (0.061%); highest among the groups gnomAD compares: South Asian, 0.92%; 12 homozygotes.

Submissions (3):

CeGaT Center for Human Genetics Tuebingen
Classification: Likely benign. Last evaluated: 2026-01-01. Review status: criteria provided, single submitter. Criteria: CeGaT Center For Human Genetics Tuebingen Variant Classification Criteria Version 2. Collection method: clinical testing. Allele origin: germline. Affected: yes. Observed: 2 variant alleles.
Comment: CDH23: BS2

Labcorp Genetics (formerly Invitae), Labcorp
Classification: Benign. Last evaluated: 2024-03-01. Review status: criteria provided, single submitter. Criteria: Invitae Variant Classification Sherloc (09022015). Collection method: clinical testing. Allele origin: germline.

Women's Health and Genetics/Laboratory Corporation of America, LabCorp
Classification: Benign. Last evaluated: 2022-02-23. Review status: criteria provided, single submitter. Criteria: LabCorp Variant Classification Summary - May 2015. Collection method: clinical testing. Allele origin: germline.
Comment: Variant summary: CDH23 c.8120C>T (p.Pro2707Leu) results in a non-conservative amino acid change in the encoded protein sequence. Four of five in-silico tools predict a damaging effect of the variant on protein function. The variant allele was found at a frequency of 0.0013 in 196848 control chromosomes (gnomAD), predominantly at a frequency of 0.009 within the South Asian subpopulation in the gnomAD database, including 4 homozygotes. The observed variant frequency within South Asian control individuals in the gnomAD database is approximately 2.79 fold of the estimated maximal expected allele frequency for a pathogenic variant in CDH23 causing Usher Syndrome phenotype (0.0032), suggesting that the variant is a benign polymorphism found primarily in populations of South Asian origin. c.8120C>T has been reported in the literature in individuals affected with autosomal recessive non-syndromic hearing loss (Bademci_2015, Sloan-Heggen_2016). These data do not allow any conclusion about variant significance. To our knowledge, no experimental evidence demonstrating an impact on protein function has been reported. One ClinVar submitter has assessed the variant since 2014: the variant was classified as benign. Based on the evidence outlined above, the variant was classified as benign.

Literature cited by the submitters: PubMed 26969326 (cited by Women's Health and Genetics/Laboratory Corporation of America, LabCorp); PubMed 26226137 (cited by Women's Health and Genetics/Laboratory Corporation of America, LabCorp).

NM_022124.6(CDH23):c.8120C>T (p.Pro2707Leu)

Gene: CDH23 (cadherin related 23; plus strand). Cytogenetic location: 10q22.1.
Variant type: single nucleotide variant.
Coding change: c.8120C>T on transcript NM_022124.6 (MANE Select); coding-DNA position 8120, C replaced by T.
Protein change: p.Pro2707Leu; replaces proline 2707 with leucine.
Molecular consequence: missense variant.
Genome position (GRCh38, 1-based): chr10:71,806,223, C>T. VCF-style: chr10-71806223-C-T. GRCh37 (hg19) VCF-style: chr10-73565980-C-T.
Other names: c.1400C>T, p.Pro467Leu (NM_001171933.1, NM_001171934.1); short protein forms P467L, P2707L.
Identifiers: ClinVar variation 735476 (VCV000735476.32), dbSNP rs373230009, ClinGen allele CA5546553.